The following is an entry in ClinVar:

ClinVar aggregate classification (germline): Uncertain significance (1 of 4 stars; one submission).

gnomAD v4.1: 5 of 1,613,984 alleles (0.00031%); highest among the groups gnomAD compares: Admixed American, 0.005%; no homozygotes.

Submission:

Labcorp Genetics (formerly Invitae), Labcorp
Classification: Uncertain significance. Last evaluated: 2024-03-03. Review status: criteria provided, single submitter. Criteria: Invitae Variant Classification Sherloc (09022015). Collection method: clinical testing. Allele origin: germline.
Comment: This sequence change replaces leucine, which is neutral and non-polar, with phenylalanine, which is neutral and non-polar, at codon 447 of the CTNNB1 protein (p.Leu447Phe). This variant is present in population databases (rs769363745, gnomAD 0.006%). This variant has not been reported in the literature in individuals affected with CTNNB1-related conditions. Advanced modeling of protein sequence and biophysical properties (such as structural, functional, and spatial information, amino acid conservation, physicochemical variation, residue mobility, and thermodynamic stability) performed at Invitae indicates that this missense variant is expected to disrupt CTNNB1 protein function with a positive predictive value of 80%. In summary, the available evidence is currently insufficient to determine the role of this variant in disease. Therefore, it has been classified as a Variant of Uncertain Significance.

NM_001904.4(CTNNB1):c.1339C>T (p.Leu447Phe)

Genes: CTNNB1 (catenin beta 1; plus strand), LOC126806659 (BRD4-independent group 4 enhancer GRCh37_chr3:41274918-41276117; plus strand). Cytogenetic location: 3p22.1.
Variant type: single nucleotide variant.
Coding change: c.1339C>T on transcript NM_001904.4 (MANE Select); coding-DNA position 1339, C replaced by T.
Protein change: p.Leu447Phe; replaces leucine 447 with phenylalanine.
Molecular consequence: missense variant.
Genome position (GRCh38, 1-based): chr3:41,233,682, C>T. VCF-style: chr3-41233682-C-T. GRCh37 (hg19) VCF-style: chr3-41275173-C-T.
Other names: c.1339C>T, p.Leu447Phe (NM_001098209.2, NM_001098210.2); c.1318C>T, p.Leu440Phe (NM_001330729.2); short protein forms L447F, L440F.
Identifiers: ClinVar variation 3719367 (VCV003719367.2).